The following is an entry in ClinVar:

NM_016077.5(PTRH2):c.-25C>T

Gene: PTRH2 (peptidyl-tRNA hydrolase 2; minus strand). Cytogenetic location: 17q23.1.
Variant type: single nucleotide variant.
Coding change: c.-25C>T on transcript NM_016077.5 (MANE Select); 25 bases upstream of the start codon, C replaced by T.
Molecular consequence: 5 prime UTR variant.
Genome position (GRCh38, 1-based): chr17:59,707,395, G>A on the plus strand (C>T on the coding strand, the complement: PTRH2 is on the minus strand). VCF-style: chr17-59707395-G-A. GRCh37 (hg19) VCF-style: chr17-57784756-G-A.
Other names: c.-1341C>T (NM_001015509.3).
Identifiers: ClinVar variation 515341 (VCV000515341.1), dbSNP rs1236935307, ClinGen allele CA658798912.

ClinVar aggregate classification (germline): Likely benign (1 of 4 stars; one submission).

Allele frequency attached by ClinVar (database versions not stated): gnomAD 0.00021; TOPMed 0.00016 and 0.00019.

Submission:

GeneDx
Classification: Likely benign. Last evaluated: 2018-02-16. Review status: criteria provided, single submitter. Criteria: GeneDx Variant Classification (06012015). Collection method: clinical testing. Allele origin: germline. Affected: yes.
Comment: This variant is considered likely benign or benign based on one or more of the following criteria: it is a conservative change, it occurs at a poorly conserved position in the protein, it is predicted to be benign by multiple in silico algorithms, and/or has population frequency not consistent with disease.